The following is an entry in ClinVar:

NM_005477.3(HCN4):c.3289G>T (p.Gly1097Trp)

Gene: HCN4 (hyperpolarization activated cyclic nucleotide gated potassium channel 4; minus strand). Cytogenetic location: 15q24.1.
Variant type: single nucleotide variant.
Coding change: c.3289G>T on transcript NM_005477.3 (MANE Select); coding-DNA position 3289, G replaced by T.
Protein change: p.Gly1097Trp; replaces glycine 1097 with tryptophan.
Molecular consequence: missense variant.
Genome position (GRCh38, 1-based): chr15:73,322,804, C>A on the plus strand (G>T on the coding strand, the complement: HCN4 is on the minus strand). VCF-style: chr15-73322804-C-A. GRCh37 (hg19) VCF-style: chr15-73615145-C-A.
Other names: short protein forms G1097W.
Identifiers: ClinVar variation 2736242 (VCV002736242.3), dbSNP rs753734843, ClinGen allele CA7648854.

ClinVar aggregate classification (germline): Uncertain significance (1 of 4 stars; one submission).

Conditions:
Brugada syndrome 8 (BRGDA8). Identifiers: Orphanet 130, MedGen C2751083, MONDO:0013148, OMIM 613123.

gnomAD v4.1: 10 of 1,537,900 alleles (0.00065%); highest among the groups gnomAD compares: East Asian, 0.021%; no homozygotes.

Submission:

Labcorp Genetics (formerly Invitae), Labcorp
Classification: Uncertain significance for Brugada syndrome 8. Last evaluated: 2023-09-18. Review status: criteria provided, single submitter. Criteria: Invitae Variant Classification Sherloc (09022015). Collection method: clinical testing. Allele origin: germline.
Comment: In summary, the available evidence is currently insufficient to determine the role of this variant in disease. Therefore, it has been classified as a Variant of Uncertain Significance. Experimental studies have shown that this missense change affects HCN4 function (PMID: 24492017). Advanced modeling of protein sequence and biophysical properties (such as structural, functional, and spatial information, amino acid conservation, physicochemical variation, residue mobility, and thermodynamic stability) performed at Invitae indicates that this missense variant is not expected to disrupt HCN4 protein function. This missense change has been observed in individual(s) with HCN4-related conditions (PMID: 24492017). The frequency data for this variant in the population databases is considered unreliable, as metrics indicate poor data quality at this position in the gnomAD database. This sequence change replaces glycine, which is neutral and non-polar, with tryptophan, which is neutral and slightly polar, at codon 1097 of the HCN4 protein (p.Gly1097Trp).

Literature cited by the submitters: PubMed 24492017.